The following is an entry in ClinVar:

NM_001170629.2(CHD8):c.881C>A (p.Pro294Gln)

Gene: CHD8 (chromodomain helicase DNA binding protein 8; minus strand). Cytogenetic location: 14q11.2.
Variant type: single nucleotide variant.
Coding change: c.881C>A on transcript NM_001170629.2 (MANE Select); coding-DNA position 881, C replaced by A.
Protein change: p.Pro294Gln; replaces proline 294 with glutamine.
Molecular consequence: missense variant.
Genome position (GRCh38, 1-based): chr14:21,429,298, G>T on the plus strand (C>A on the coding strand, the complement: CHD8 is on the minus strand). VCF-style: chr14-21429298-G-T. GRCh37 (hg19) VCF-style: chr14-21897457-G-T.
Other names: c.44C>A, p.Pro15Gln (NM_020920.4); short protein forms P15Q, P294Q.
Identifiers: ClinVar variation 1764772 (VCV001764772.5), dbSNP rs1889460879, ClinGen allele CA388885663.

ClinVar aggregate classification (germline): Uncertain significance. Review status: criteria provided, multiple submitters, no conflicts (2 of 4 stars). 2 submissions from 2 submitters: Uncertain significance (2). Last evaluated 2025-02-12.

Conditions:
Inborn genetic diseases. Identifiers: MedGen C0950123, MeSH D030342.

Allele frequency attached by ClinVar (database versions not stated): TOPMed below 0.00001.

Submissions (2):

Labcorp Genetics (formerly Invitae), Labcorp
Classification: Uncertain significance. Last evaluated: 2025-02-12. Review status: criteria provided, single submitter. Criteria: Invitae Variant Classification Sherloc (09022015). Collection method: clinical testing. Allele origin: germline.
Comment: This sequence change replaces proline, which is neutral and non-polar, with glutamine, which is neutral and polar, at codon 294 of the CHD8 protein (p.Pro294Gln). This variant is not present in population databases (gnomAD no frequency). This variant has not been reported in the literature in individuals affected with CHD8-related conditions. ClinVar contains an entry for this variant (Variation ID: 1764772). Invitae Evidence Modeling of protein sequence and biophysical properties (such as structural, functional, and spatial information, amino acid conservation, physicochemical variation, residue mobility, and thermodynamic stability) indicates that this missense variant is not expected to disrupt CHD8 protein function with a negative predictive value of 95%. In summary, the available evidence is currently insufficient to determine the role of this variant in disease. Therefore, it has been classified as a Variant of Uncertain Significance.

Ambry Genetics
Classification: Uncertain significance for Inborn genetic diseases. Last evaluated: 2019-07-11. Review status: criteria provided, single submitter. Criteria: Ambry Variant Classification Scheme 2023. Collection method: clinical testing. Allele origin: germline.
Comment: The p.P294Q variant (also known as c.881C>A), located in coding exon 2 of the CHD8 gene, results from a C to A substitution at nucleotide position 881. The proline at codon 294 is replaced by glutamine, an amino acid with similar properties. This amino acid position is highly conserved in available vertebrate species. In addition, the in silico prediction for this alteration is inconclusive. Since supporting evidence is limited at this time, the clinical significance of this alteration remains unclear.